The following is an entry in ClinVar:

ClinVar aggregate classification (germline): Uncertain significance (1 of 4 stars; one submission).

Conditions:
Spondylodysplastic Ehlers-Danlos syndrome. Identifiers: Orphanet 536471, Orphanet 75496, MedGen C5680154, MONDO:0007526.

Allele frequency attached by ClinVar (database versions not stated): TOPMed below 0.00001; gnomAD 0.00001.
gnomAD v4.1: 1 of 1,613,700 alleles (0.000062%); highest among the groups gnomAD compares: Non-Finnish European, 0.000085%; no homozygotes.

Submission:

Labcorp Genetics (formerly Invitae), Labcorp
Classification: Uncertain significance for Spondylodysplastic Ehlers-Danlos syndrome. Last evaluated: 2019-05-04. Review status: criteria provided, single submitter. Criteria: Invitae Variant Classification Sherloc (09022015). Collection method: clinical testing. Allele origin: germline.
Comment: In summary, the available evidence is currently insufficient to determine the role of this variant in disease. Therefore, it has been classified as a Variant of Uncertain Significance. Algorithms developed to predict the effect of missense changes on protein structure and function (SIFT, PolyPhen-2, Align-GVGD) all suggest that this variant is likely to be disruptive, but these predictions have not been confirmed by published functional studies and their clinical significance is uncertain. This variant has not been reported in the literature in individuals with B4GALT7-related disease. This variant is not present in population databases (ExAC no frequency). This sequence change replaces phenylalanine with serine at codon 221 of the B4GALT7 protein (p.Phe221Ser). The phenylalanine residue is highly conserved and there is a large physicochemical difference between phenylalanine and serine.

NM_007255.3(B4GALT7):c.662T>C (p.Phe221Ser)

Gene: B4GALT7 (beta-1,4-galactosyltransferase 7; plus strand). Cytogenetic location: 5q35.3.
Variant type: single nucleotide variant.
Coding change: c.662T>C on transcript NM_007255.3 (MANE Select); coding-DNA position 662, T replaced by C.
Protein change: p.Phe221Ser; replaces phenylalanine 221 with serine.
Molecular consequence: missense variant.
Genome position (GRCh38, 1-based): chr5:177,608,561, T>C. VCF-style: chr5-177608561-T-C. GRCh37 (hg19) VCF-style: chr5-177035562-T-C.
Other names: short protein forms F221S.
Identifiers: ClinVar variation 646681 (VCV000646681.11), dbSNP rs1468472910, ClinGen allele CA362376391.
Genomic context (GRCh38, chr5:177,608,561, plus strand): 5'-GAAGATGGGCCGAGTGACGCTGCTTGTCTCTGTGTCAGTGCAATGGGATGTCCAACCGCT[T>C]CTGGGGCTGGGGCCGCGAGGACGACGAGTTCTACCGGCGCATTAAGGGAGCTGGGCTCCA-3'
Protein context (NP_009186.1, residues 211-231): YRLCNGMSNR[Phe221Ser]WGWGREDDEF